The following is an entry in ClinVar:

NM_001320752.2(STS):c.169G>T (p.Gly57Ter)

Gene: STS (steroid sulfatase; plus strand). Cytogenetic location: Xp22.31.
Variant type: single nucleotide variant.
Coding change: c.169G>T on transcript NM_001320752.2 (MANE Select); coding-DNA position 169, G replaced by T.
Protein change: p.Gly57Ter; replaces glycine 57 with a stop codon.
Molecular consequence: nonsense.
Genome position (GRCh38, 1-based): chrX:7,257,273, G>T. VCF-style: chrX-7257273-G-T. GRCh37 (hg19) VCF-style: chrX-7175314-G-T.
Other names: c.169G>T, p.Gly57Ter (NM_000351.7, NM_001320753.2, NM_001320754.2); c.205G>T, p.Gly69Ter (NM_001320750.3, NM_001320751.2); short protein forms G69*, G57*.
Identifiers: ClinVar variation 453154 (VCV000453154.4), dbSNP rs1555956229, ClinGen allele CA412019271.

ClinVar aggregate classification (germline): Pathogenic (1 of 4 stars; one submission).

Submission:

GeneDx
Classification: Pathogenic. Last evaluated: 2020-01-15. Review status: criteria provided, single submitter. Criteria: GeneDx Variant Classification Process June 2021. Collection method: clinical testing. Allele origin: germline. Affected: yes.
Comment: Has not been previously published as pathogenic or benign to our knowledge; Nonsense variant predicted to result in protein truncation or nonsense mediated decay in a gene for which loss-of-function is a known mechanism of disease; Not observed in large population cohorts (Lek et al., 2016)